The following is an entry in ClinVar:

ClinVar aggregate classification (germline): Uncertain significance (1 of 4 stars; one submission).

Allele frequency attached by ClinVar (database versions not stated): gnomAD exomes below 0.00001.
gnomAD v4.1: 1 of 1,614,230 alleles (0.000062%); highest among the groups gnomAD compares: Non-Finnish European, 0.000085%; no homozygotes.

Submission:

Ambry Genetics
Classification: Uncertain significance. Last evaluated: 2021-03-18. Review status: criteria provided, single submitter. Criteria: Ambry Variant Classification Scheme 2023. Collection method: clinical testing. Allele origin: germline.
Comment: The p.E1036A variant (also known as c.3107A>C), located in coding exon 1 of the MLH3 gene, results from an A to C substitution at nucleotide position 3107. The glutamic acid at codon 1036 is replaced by alanine, an amino acid with dissimilar properties. This amino acid position is well conserved in available vertebrate species. In addition, this alteration is predicted to be tolerated by in silico analysis. Since supporting evidence is limited at this time, the clinical significance of this alteration remains unclear.

NM_001040108.2(MLH3):c.3107A>C (p.Glu1036Ala)

Gene: MLH3 (mutL homolog 3; minus strand). Cytogenetic location: 14q24.3.
Variant type: single nucleotide variant.
Coding change: c.3107A>C on transcript NM_001040108.2 (MANE Select); coding-DNA position 3107, A replaced by C.
Protein change: p.Glu1036Ala; replaces glutamic acid 1036 with alanine.
Molecular consequence: missense variant.
Genome position (GRCh38, 1-based): chr14:75,046,549, T>G on the plus strand (A>C on the coding strand, the complement: MLH3 is on the minus strand). VCF-style: chr14-75046549-T-G. GRCh37 (hg19) VCF-style: chr14-75513252-T-G.
Other names: c.3107A>C, p.Glu1036Ala (NM_014381.3); short protein forms E1036A.
Identifiers: ClinVar variation 1727694 (VCV001727694.2), dbSNP rs2503253944, ClinGen allele CA390436256.